The following is an entry in ClinVar:

ClinVar aggregate classification (germline): Uncertain significance (1 of 4 stars; one submission).

Submission:

GeneDx
Classification: Uncertain significance. Last evaluated: 2025-03-13. Review status: criteria provided, single submitter. Criteria: GeneDx Variant Classification Process June 2021. Collection method: clinical testing. Allele origin: germline. Affected: yes.
Comment: Not observed at significant frequency in large population cohorts (gnomAD); In silico analysis indicates that this missense variant does not alter protein structure/function; Has not been previously published as pathogenic or benign to our knowledge

NM_014491.4(FOXP2):c.292G>T (p.Val98Leu)

Gene: FOXP2 (forkhead box P2; plus strand). Cytogenetic location: 7q31.1.
Variant type: single nucleotide variant.
Coding change: c.292G>T on transcript NM_014491.4 (MANE Select); coding-DNA position 292, G replaced by T.
Protein change: p.Val98Leu; replaces valine 98 with leucine.
Molecular consequence: missense variant. On other transcripts: non-coding transcript variant (2).
Genome position (GRCh38, 1-based): chr7:114,628,573, G>T. VCF-style: chr7-114628573-G-T. GRCh37 (hg19) VCF-style: chr7-114268628-G-T.
Other names: c.292G>T, p.Val98Leu (NM_001172766.3, NM_148899.3, NM_148900.4); c.367G>T, p.Val123Leu (NM_001172767.2, NM_148898.4); short protein forms V123L, V98L.
Identifiers: ClinVar variation 4083268 (VCV004083268.1).